The following is an entry in ClinVar:

ClinVar aggregate classification (germline): Uncertain significance (1 of 4 stars; one submission).

Conditions:
Imerslund-Grasbeck syndrome. Also called: PERNICIOUS ANEMIA, JUVENILE, DUE TO SELECTIVE INTESTINAL MALABSORPTION OF VITAMIN B12, WITH PROTEINURIA; Imerslund-Gräsbeck syndrome; ENTEROCYTE COBALAMIN MALABSORPTION; ENTEROCYTE INTRINSIC FACTOR RECEPTOR, DEFECT OF; Megaloblastic anemia due to inborn errors of metabolism. Identifiers: Orphanet 35858, MedGen C4551825, MONDO:0009853.

Submission:

Labcorp Genetics (formerly Invitae), Labcorp
Classification: Uncertain significance for Imerslund-Grasbeck syndrome. Last evaluated: 2019-09-09. Review status: criteria provided, single submitter. Criteria: Invitae Variant Classification Sherloc (09022015). Collection method: clinical testing. Allele origin: germline.
Comment: In summary, the available evidence is currently insufficient to determine the role of this variant in disease. Therefore, it has been classified as a Variant of Uncertain Significance. Algorithms developed to predict the effect of missense changes on protein structure and function output the following: SIFT: "Deleterious"; PolyPhen-2: "Benign"; Align-GVGD: "Class C0". The arginine amino acid residue is found in multiple mammalian species, suggesting that this missense change does not adversely affect protein function. These predictions have not been confirmed by published functional studies and their clinical significance is uncertain. This variant has not been reported in the literature in individuals with CUBN-related disease. This variant is not present in population databases (ExAC no frequency). This sequence change replaces threonine with arginine at codon 937 of the CUBN protein (p.Thr937Arg). The threonine residue is highly conserved and there is a moderate physicochemical difference between threonine and arginine.

NM_001081.4(CUBN):c.2810C>G (p.Thr937Arg)

Gene: CUBN (cubilin; minus strand). Cytogenetic location: 10p13.
Variant type: single nucleotide variant.
Coding change: c.2810C>G on transcript NM_001081.4 (MANE Select); coding-DNA position 2810, C replaced by G.
Protein change: p.Thr937Arg; replaces threonine 937 with arginine.
Molecular consequence: missense variant.
Genome position (GRCh38, 1-based): chr10:17,068,262, G>C on the plus strand (C>G on the coding strand, the complement: CUBN is on the minus strand). VCF-style: chr10-17068262-G-C. GRCh37 (hg19) VCF-style: chr10-17110261-G-C.
Other names: short protein forms T937R.
Identifiers: ClinVar variation 643498 (VCV000643498.11), dbSNP rs200383906, ClinGen allele CA376156583.